The following is an entry in ClinVar:

ClinVar aggregate classification (germline): Uncertain significance (1 of 4 stars; one submission).

Conditions:
Combined immunodeficiency due to MALT1 deficiency. Also called: Immunodeficiency 12. Identifiers: Orphanet 397964, MedGen C3809583, MONDO:0014197, OMIM 615468.

gnomAD v4.1: 1 of 1,612,858 alleles (0.000062%); highest among the groups gnomAD compares: Non-Finnish European, 0.000085%; no homozygotes.

Submission:

Labcorp Genetics (formerly Invitae), Labcorp
Classification: Uncertain significance for Combined immunodeficiency due to MALT1 deficiency. Last evaluated: 2024-10-21. Review status: criteria provided, single submitter. Criteria: Invitae Variant Classification Sherloc (09022015). Collection method: clinical testing. Allele origin: germline.
Comment: This sequence change replaces tyrosine, which is neutral and polar, with serine, which is neutral and polar, at codon 293 of the MALT1 protein (p.Tyr293Ser). This variant is present in population databases (no rsID available, gnomAD 0.002%). This variant has not been reported in the literature in individuals affected with MALT1-related conditions. ClinVar contains an entry for this variant (Variation ID: 1047216). Invitae Evidence Modeling of protein sequence and biophysical properties (such as structural, functional, and spatial information, amino acid conservation, physicochemical variation, residue mobility, and thermodynamic stability) indicates that this missense variant is not expected to disrupt MALT1 protein function with a negative predictive value of 80%. In summary, the available evidence is currently insufficient to determine the role of this variant in disease. Therefore, it has been classified as a Variant of Uncertain Significance.

NM_006785.4(MALT1):c.878A>C (p.Tyr293Ser)

Gene: MALT1 (MALT1 paracaspase; plus strand). Cytogenetic location: 18q21.32.
Variant type: single nucleotide variant.
Coding change: c.878A>C on transcript NM_006785.4 (MANE Select); coding-DNA position 878, A replaced by C.
Protein change: p.Tyr293Ser; replaces tyrosine 293 with serine.
Molecular consequence: missense variant.
Genome position (GRCh38, 1-based): chr18:58,710,025, A>C. VCF-style: chr18-58710025-A-C. GRCh37 (hg19) VCF-style: chr18-56377257-A-C.
Other names: c.878A>C, p.Tyr293Ser (NM_173844.3); short protein forms Y293S.
Identifiers: ClinVar variation 1047216 (VCV001047216.8), dbSNP rs1445398673, ClinGen allele CA402573595.